The following is an entry in ClinVar:

ClinVar aggregate classification (germline): Conflicting classifications of pathogenicity. Review status: criteria provided, conflicting classifications (1 of 4 stars). 2 submissions from 2 submitters: Uncertain significance (1); Likely benign (1). Last evaluated 2025-10-01.

gnomAD v4.1: 338 of 1,097,620 alleles (0.031%); highest among the groups gnomAD compares: Middle Eastern, 0.43%; no homozygotes.

Submissions (2):

CeGaT Center for Human Genetics Tuebingen
Classification: Uncertain significance. Last evaluated: 2025-10-01. Review status: criteria provided, single submitter. Criteria: CeGaT Center For Human Genetics Tuebingen Variant Classification Criteria Version 2. Collection method: clinical testing. Allele origin: germline. Affected: yes. Observed: 1 variant allele.
Comment: HYDIN: PM2:Supporting, BP4

Blueprint Genetics
Classification: Likely benign. Last evaluated: 2024-11-23. Review status: criteria provided, single submitter. Criteria: ACMG Guidelines, 2015. Collection method: clinical testing. Allele origin: germline.

NM_001270974.2(HYDIN):c.10216-4C>A

Gene: HYDIN (HYDIN axonemal central pair apparatus protein; minus strand). Cytogenetic location: 16q22.2.
Variant type: single nucleotide variant.
Coding change: c.10216-4C>A on transcript NM_001270974.2 (MANE Select); 4 bases into the intron before coding-DNA position 10216, C replaced by A.
Molecular consequence: intron variant.
Genome position (GRCh38, 1-based): chr16:70,879,760, G>T on the plus strand (C>A on the coding strand, the complement: HYDIN is on the minus strand). VCF-style: chr16-70879760-G-T. GRCh37 (hg19) VCF-style: chr16-70913663-G-T.
Identifiers: ClinVar variation 4533427 (VCV004533427.7).